The following is an entry in ClinVar:

NM_000069.3(CACNA1S):c.97T>C (p.Cys33Arg)

Gene: CACNA1S (calcium voltage-gated channel subunit alpha1 S; minus strand). Cytogenetic location: 1q32.1.
Variant type: single nucleotide variant.
Coding change: c.97T>C on transcript NM_000069.3 (MANE Select); coding-DNA position 97, T replaced by C.
Protein change: p.Cys33Arg; replaces cysteine 33 with arginine.
Molecular consequence: missense variant.
Genome position (GRCh38, 1-based): chr1:201,112,243, A>G on the plus strand (T>C on the coding strand, the complement: CACNA1S is on the minus strand). VCF-style: chr1-201112243-A-G. GRCh37 (hg19) VCF-style: chr1-201081371-A-G.
Other names: short protein forms C33R.
Identifiers: ClinVar variation 4756004 (VCV004756004.1).
Genomic context (GRCh38, chr1:201,112,243, plus strand): 5'-GATACTTCCATTCTACAATGCTGATGCAGGCCTTCCTCAGGGGGTTCTCCAGGGTCAGGC[A>G]GAACAAGGCCCGGGGTGGCCTTGGCAGAATCTCAGGAACTGGCTTCTTGGGCTGTTTCTT-3'
Protein context (NP_000060.2, residues 23-43): ILPRPPRALF[Cys33Arg]LTLENPLRKA

ClinVar aggregate classification (germline): Uncertain significance (1 of 4 stars; one submission).

Submission:

GeneDx
Classification: Uncertain significance. Last evaluated: 2025-08-04. Review status: criteria provided, single submitter. Criteria: GeneDx Variant Classification Process June 2021. Collection method: clinical testing. Allele origin: germline. Affected: yes.
Comment: Not observed at significant frequency in large population cohorts (gnomAD); In silico analysis supports that this missense variant has a deleterious effect on protein structure/function; Has not been previously published as pathogenic or benign to our knowledge